The following is an entry in ClinVar:

ClinVar aggregate classification (germline): Uncertain significance (1 of 4 stars; one submission).

Submission:

Labcorp Genetics (formerly Invitae), Labcorp
Classification: Uncertain significance. Last evaluated: 2025-09-02. Review status: criteria provided, single submitter. Criteria: Invitae Variant Classification Sherloc (09022015). Collection method: clinical testing. Allele origin: germline.
Comment: This sequence change falls in intron 4 of the TSEN54 gene. It does not directly change the encoded amino acid sequence of the TSEN54 protein. It affects a nucleotide within the consensus splice site. This variant is present in population databases (rs758474878, gnomAD 0.007%). This variant has not been reported in the literature in individuals affected with TSEN54-related conditions. ClinVar contains an entry for this variant (Variation ID: 1911593). Variants that disrupt the consensus splice site are a relatively common cause of aberrant splicing (PMID: 17576681, 9536098). Algorithms developed to predict the effect of sequence changes on RNA splicing suggest that this variant may disrupt the consensus splice site. In summary, the available evidence is currently insufficient to determine the role of this variant in disease. Therefore, it has been classified as a Variant of Uncertain Significance.

Literature cited by the submitters: PubMed 17576681; PubMed 9536098.

NM_207346.3(TSEN54):c.369+4dup

Gene: TSEN54 (tRNA splicing endonuclease subunit 54; plus strand). Cytogenetic location: 17q25.1.
Variant type: Duplication.
Coding change: c.369+4dup on transcript NM_207346.3 (MANE Select); 4 bases into the intron after coding-DNA position 369, one base duplicated (A; older notation c.369+4dupA).
Molecular consequence: intron variant.
Genome position (GRCh38, 1-based): chr17:75,517,248, A duplicated; the last of 2 consecutive A bases (chr17:75,517,247-75,517,248); duplicating either gives the same sequence. VCF-style (leftmost placement, unchanged base first): chr17-75517246-T-TA. GRCh37 (hg19) VCF-style: chr17-73513327-T-TA.
Identifiers: ClinVar variation 1911593 (VCV001911593.3), dbSNP rs758474878, ClinGen allele CA8764070.